The following is an entry in ClinVar:

ClinVar aggregate classification (germline): Pathogenic (1 of 4 stars; one submission).

Submission:

Labcorp Genetics (formerly Invitae), Labcorp
Classification: Pathogenic. Last evaluated: 2023-07-21. Review status: criteria provided, single submitter. Criteria: Invitae Variant Classification Sherloc (09022015). Collection method: clinical testing. Allele origin: germline.
Comment: For these reasons, this variant has been classified as Pathogenic. This variant has not been reported in the literature in individuals affected with IMPG1-related conditions. This sequence change creates a premature translational stop signal (p.Met515Ilefs*6) in the IMPG1 gene. It is expected to result in an absent or disrupted protein product. Loss-of-function variants in IMPG1 are known to be pathogenic (PMID: 23993198). This variant is not present in population databases (gnomAD no frequency).

Literature cited by the submitters: PubMed 23993198.

NM_001563.4(IMPG1):c.1543_1544dup (p.Met515fs)

Gene: IMPG1 (interphotoreceptor matrix proteoglycan 1; minus strand). Cytogenetic location: 6q14.1.
Variant type: Microsatellite.
Coding change: c.1543_1544dup on transcript NM_001563.4 (MANE Select); coding-DNA positions 1543 to 1544, 2 bases duplicated (AT; older notation c.1543_1544dupAT).
Protein change: p.Met515fs; shifts the reading frame from methionine 515.
Molecular consequence: frameshift variant.
Genome position (GRCh38, 1-based): chr6:75,950,842-75,950,843, AT duplicated on the plus strand (AT on the coding strand, the reverse complement: IMPG1 is on the minus strand); duplicating any 2 consecutive bases within chr6:75,950,842-75,950,845 gives the same sequence; the c. name uses the placement nearest the transcript's 3' end. VCF-style (leftmost placement, unchanged base first): chr6-75950841-C-CAT. GRCh37 (hg19) VCF-style: chr6-76660558-C-CAT.
Other names: c.1309_1310dup, p.Met437fs (NM_001282368.2); short protein forms M515fs, M437fs.
Identifiers: ClinVar variation 1976237 (VCV001976237.5), dbSNP rs2535897761, ClinGen allele CA2580617295.